The following is an entry in ClinVar:

ClinVar aggregate classification (germline): Uncertain significance (1 of 4 stars; one submission).

Conditions:
PHF21A-related disorder. Also called: PHF21A-related condition.

Submission:

PreventionGenetics, part of Exact Sciences
Classification: Uncertain significance for PHF21A-related condition. Last evaluated: 2026-02-23. Review status: criteria provided, single submitter. Criteria: ACMG Guidelines, 2015. Collection method: clinical testing. Allele origin: germline.
Comment: The PHF21A c.1769C>A variant is predicted to result in the amino acid substitution p.Ser590Tyr. To our knowledge, this variant has not been reported in the literature or in a large population database (gnomAD), indicating this variant is rare. At this time, the clinical significance of this variant is uncertain due to the absence of conclusive functional and genetic evidence.

NM_001352027.3(PHF21A):c.1910C>A (p.Ser637Tyr)

Gene: PHF21A (PHD finger protein 21A; minus strand). Cytogenetic location: 11p11.2.
Variant type: single nucleotide variant.
Coding change: c.1910C>A on transcript NM_001352027.3 (MANE Select); coding-DNA position 1910, C replaced by A.
Protein change: p.Ser637Tyr; replaces serine 637 with tyrosine.
Molecular consequence: missense variant. On other transcripts: non-coding transcript variant (2).
Genome position (GRCh38, 1-based): chr11:45,934,104, G>T on the plus strand (C>A on the coding strand, the complement: PHF21A is on the minus strand). VCF-style: chr11-45934104-G-T. GRCh37 (hg19) VCF-style: chr11-45955655-G-T.
Other names: c.1907C>A, p.Ser636Tyr (NM_001101802.3); c.1910C>A, p.Ser637Tyr (NM_001352025.3, NM_001352026.3, NM_001441170.1); c.1769C>A, p.Ser590Tyr (NM_001352028.1, NM_001352029.1, NM_016621.5); c.1766C>A, p.Ser589Tyr (NM_001352030.3, NM_001352031.3, NM_001352032.3); c.1931C>A, p.Ser644Tyr (NM_001441167.1, NM_001441168.1); c.1928C>A, p.Ser643Tyr (NM_001441169.1); c.1751C>A, p.Ser584Tyr (NM_001441171.1); c.1658C>A, p.Ser553Tyr (NM_001441172.1); short protein forms S590Y, S637Y, S584Y, S636Y, S644Y, S553Y, S589Y, S643Y.
Identifiers: ClinVar variation 4991744 (VCV004991744.1).
Genomic context (GRCh38, chr11:45,934,104, plus strand): 5'-GCGGCATTGGCAGGGGGGGTGCAGTCCGGGCCATTGGAGATGGCCCCCACAGTGGCCTCA[G>T]AGTCTACAGGTTTGGAGAGGTCGATGCCGTGGATGAGGCGAATCAGCTGTTTTACCTTCT-3'
Protein context (NP_001338956.1, residues 627-647): HGIDLSKPVD[Ser637Tyr]EATVGAISNG